The following is an entry in ClinVar:

ClinVar aggregate classification (germline): Conflicting classifications of pathogenicity. Review status: criteria provided, conflicting classifications (1 of 4 stars). 6 submissions from 6 submitters: Uncertain significance (5); Likely benign (1). Last evaluated 2026-01-13.

Conditions:
Hereditary nonpolyposis colorectal neoplasms. Identifiers: MedGen C0009405, MeSH D003123.
Hereditary cancer-predisposing syndrome. Also called: Hereditary neoplastic syndrome; Neoplastic Syndromes, Hereditary; Hereditary Cancer Syndrome; Tumor predisposition. Identifiers: Orphanet 140162, MedGen C0027672, MeSH D009386, MONDO:0015356.

Allele frequency attached by ClinVar (database versions not stated): ExAC 0.00002; gnomAD 0.00002; 1000 Genomes Project 30x 0.00031; 1000 Genomes Project 0.00040.
gnomAD v4.1: 6 of 1,613,088 alleles (0.00037%); highest among the groups gnomAD compares: East Asian, 0.0067%; no homozygotes.

Submissions (6):

Labcorp Genetics (formerly Invitae), Labcorp
Classification: Uncertain significance for Hereditary nonpolyposis colorectal neoplasms. Last evaluated: 2026-01-13. Review status: criteria provided, single submitter. Criteria: Invitae Variant Classification Sherloc (09022015). Collection method: clinical testing. Allele origin: germline.
Comment: This sequence change replaces glutamine, which is neutral and polar, with arginine, which is basic and polar, at codon 275 of the PMS2 protein (p.Gln275Arg). This variant is present in population databases (rs546966892, gnomAD 0.02%). This variant has not been reported in the literature in individuals affected with PMS2-related conditions. ClinVar contains an entry for this variant (Variation ID: 127797). Invitae Evidence Modeling incorporating data from in vitro experimental studies (internal data) indicates that this missense variant is not expected to disrupt PMS2 function with a negative predictive value of 95%. In summary, the available evidence is currently insufficient to determine the role of this variant in disease. Therefore, it has been classified as a Variant of Uncertain Significance.

Color Diagnostics, LLC DBA Color Health
Classification: Uncertain significance for Hereditary cancer-predisposing syndrome. Last evaluated: 2025-06-13. Review status: criteria provided, single submitter. Criteria: ACMG Guidelines, 2015. Collection method: clinical testing. Allele origin: germline.
Comment: This missense variant replaces glutamine with arginine at codon 275 of the PMS2 protein. Computational prediction suggests that this variant may not impact protein structure and function. To our knowledge, functional studies have not been reported for this variant. This variant has not been reported in individuals affected with PMS2-related disorders in the literature. This variant has been identified in 3/251424 chromosomes in the general population by the Genome Aggregation Database (gnomAD). The available evidence is insufficient to determine the role of this variant in disease conclusively. Therefore, this variant is classified as a Variant of Uncertain Significance.

GeneDx
Classification: Uncertain significance. Last evaluated: 2024-03-14. Review status: criteria provided, single submitter. Criteria: GeneDx Variant Classification Process June 2021. Collection method: clinical testing. Allele origin: germline. Affected: yes.
Comment: In silico analysis supports that this missense variant does not alter protein structure/function; This variant is associated with the following publications: (PMID: 33471991, 11574484)

Ambry Genetics
Classification: Likely benign for Hereditary cancer-predisposing syndrome. Last evaluated: 2023-10-27. Review status: criteria provided, single submitter. Criteria: Ambry Variant Classification Scheme 2023. Collection method: clinical testing. Allele origin: germline.

Women's Health and Genetics/Laboratory Corporation of America, LabCorp
Classification: Uncertain significance. Last evaluated: 2023-06-22. Review status: criteria provided, single submitter. Criteria: LabCorp Variant Classification Summary - May 2015. Collection method: clinical testing. Allele origin: germline.

Quest Diagnostics Nichols Institute San Juan Capistrano
Classification: Uncertain significance. Last evaluated: 2021-06-06. Review status: criteria provided, single submitter. Criteria: Quest Diagnostics criteria. Collection method: clinical testing. Allele origin: unknown.

Literature cited by the submitters: PubMed 33471991 (cited by Ambry Genetics).

NM_000535.7(PMS2):c.824A>G (p.Gln275Arg)

Gene: PMS2 (PMS1 homolog 2, mismatch repair system component; minus strand). Cytogenetic location: 7p22.1.
Variant type: single nucleotide variant.
Coding change: c.824A>G on transcript NM_000535.7 (MANE Select); coding-DNA position 824, A replaced by G.
Protein change: p.Gln275Arg; replaces glutamine 275 with arginine.
Molecular consequence: missense variant. On other transcripts: 5 prime UTR variant (2), non-coding transcript variant (1).
Genome position (GRCh38, 1-based): chr7:5,995,613, T>C on the plus strand (A>G on the coding strand, the complement: PMS2 is on the minus strand). VCF-style: chr7-5995613-T-C. GRCh37 (hg19) VCF-style: chr7-6035244-T-C.
Other names: p.Q275R:CAA>CGA; c.419A>G, p.Gln140Arg (NM_001322003.2, NM_001322004.2, NM_001322005.2 and 2 more transcripts); c.824A>G, p.Gln275Arg (NM_001322006.2, NM_001322014.2); c.506A>G, p.Gln169Arg (NM_001322007.2, NM_001322008.2); c.-110A>G (NM_001322011.2, NM_001322012.2); c.251A>G, p.Gln84Arg (NM_001322013.2); c.515A>G, p.Gln172Arg (NM_001322015.2); short protein forms Q275R, Q140R, Q169R, Q172R, Q84R.
Identifiers: ClinVar variation 127797 (VCV000127797.24), dbSNP rs546966892, ClinGen allele CA012947.